The following is an entry in ClinVar:

ClinVar aggregate classification (germline): Pathogenic (1 of 4 stars; one submission).

Conditions:
Fabry disease. Also called: ALPHA-GALACTOSIDASE A DEFICIENCY; ANDERSON-FABRY DISEASE; CERAMIDE TRIHEXOSIDASE DEFICIENCY; GLA DEFICIENCY; HEREDITARY DYSTOPIC LIPIDOSIS; Angiokeratoma corporis diffusum. Identifiers: Orphanet 324, MedGen C0002986, MONDO:0010526, OMIM 301500, HP:0001071. Disease mechanism: Fabry disease is due to inactivating mutations in the X-linked GLA gene resulting in deficiency of the enzyme Alpha Galactosidase-A., loss of function.

Submission:

Genomenon, Inc
Classification: Pathogenic for Fabry disease. Last evaluated: 2026-09-08. Review status: criteria provided, single submitter. Criteria: Genomenon Sequence Variant Interpretation Standards - Updated. Collection method: curation. Allele origin: germline. Affected: yes.
Comment: GLA p.Arg363SerfsTer24 (c.1086_1098del) is a frameshift variant that is predicted to introduce a premature termination codon and result in a truncated or absent protein product. This variant has been observed in at least one proband with clinical features consistent with Fabry disease (PMID:25974833). Functional or patient cell studies have been reported (PMID:25974833). It is absent or not present at a significant frequency in gnomAD. In conclusion, we classify GLA p.Arg363SerfsTer24 (c.1086_1098del) as a pathogenic variant.

Literature cited by the submitters: PubMed 25974833.

NM_000169.3(GLA):c.1086_1098del (p.Arg363fs)

Genes: GLA (galactosidase alpha; minus strand), RPL36A-HNRNPH2 (RPL36A-HNRNPH2 readthrough; plus strand). Cytogenetic location: Xq22.1.
Variant type: Deletion.
Coding change: c.1086_1098del on transcript NM_000169.3 (MANE Select); coding-DNA positions 1086 to 1098, 13 bases deleted (TCGCTCTTATACC).
Protein change: p.Arg363fs; shifts the reading frame from arginine 363.
Molecular consequence: frameshift variant. On other transcripts: non-coding transcript variant (3), intron variant (2).
Genome position (GRCh38, 1-based): chrX:101,398,001-101,398,013, GGTATAAGAGCGA deleted on the plus strand (TCGCTCTTATACC on the coding strand, the reverse complement: GLA is on the minus strand); deleting any 13 consecutive bases within chrX:101,398,001-101,398,016 gives the same sequence; the c. name uses the placement nearest the transcript's 3' end. VCF-style (leftmost placement, unchanged base first): chrX-101398000-TGGTATAAGAGCGA-T. GRCh37 (hg19) VCF-style: chrX-100652988-TGGTATAAGAGCGA-T.
Other names: c.1209_1221del, p.Arg404fs (NM_001406747.1); c.300+2547_300+2559del (NM_001199973.2); c.177+6182_177+6194del (NM_001199974.2); short protein forms R363fs, R404fs.
Identifiers: ClinVar variation 4087057 (VCV004087057.2).